The following is an entry in ClinVar:

NM_007294.4(BRCA1):c.213-9T>A

Gene: BRCA1 (BRCA1 DNA repair associated; minus strand). Cytogenetic location: 17q21.31.
Variant type: single nucleotide variant.
Coding change: c.213-9T>A on transcript NM_007294.4 (MANE Select); 9 bases into the intron before coding-DNA position 213, T replaced by A.
Molecular consequence: intron variant.
Genome position (GRCh38, 1-based): chr17:43,104,965, A>T on the plus strand (T>A on the coding strand, the complement: BRCA1 is on the minus strand). VCF-style: chr17-43104965-A-T. GRCh37 (hg19) VCF-style: chr17-41256982-A-T.
Other names: c.213-9T>A (NM_001407627.1, NM_001407861.1, NM_001407635.1 and 167 more transcripts); c.3-9T>A (NM_001408492.1, NM_001407889.1, NM_001408513.1 and 58 more transcripts); c.72-9T>A (NM_001408468.1, NM_001407842.1, NM_001407749.1 and 99 more transcripts); c.-218-10105T>A (NM_001407966.1, NM_001407967.1); c.-169-9T>A (NM_001407963.1, NM_001407960.1, NM_001407965.1 and 4 more transcripts); c.135-9T>A (NM_001408413.1, NM_001407660.1, NM_001407661.1 and 21 more transcripts); c.81-9T>A (NM_001408451.1).
Identifiers: ClinVar variation 867961 (VCV000867961.3), dbSNP rs2054700511, ClinGen allele CA916080857.

Conditions:
Breast-ovarian cancer, familial, susceptibility to, 1 (BROVCA1). Also called: BRCA1 Hereditary Breast and Ovarian Cancer; OVARIAN CANCER, SUSCEPTIBILITY TO. Identifiers: Orphanet 145, MedGen C2676676, MONDO:0011450, OMIM 604370. Disease mechanism: loss of function.

Submission:

Brotman Baty Institute, University of Washington
No classification provided (evidence only). Condition: Breast-ovarian cancer, familial 1. Review status: no classification provided. Collection method: in vitro. Allele origin: not applicable. Functional consequence: functionally_normal.
ClinVar note: "not provided" was previously submitted as the classification for the variant. However, the classification appeared to be based only on an observation of functional data so it was converted to no classification on 2025-07-30.